The following is an entry in ClinVar:

NM_005502.4(ABCA1):c.3409TCC[3] (p.Ser1138_Leu1139insSer)

Gene: ABCA1 (ATP binding cassette subfamily A member 1; minus strand). Cytogenetic location: 9q31.1.
Variant type: Microsatellite.
Coding change: c.3409TCC[3] on transcript NM_005502.4 (MANE Select); three copies in a row of the 3-base unit TCC starting at c.3409; the reference has two copies in a row; one copy, 3 bases duplicated.
Protein change: p.Ser1138_Leu1139insSer.
Molecular consequence: inframe insertion.
Genome position (GRCh38, 1-based): chr9:104,818,711-104,818,713, GGA duplicated on the plus strand (TCC on the coding strand, the reverse complement: ABCA1 is on the minus strand); duplicating any 3 consecutive bases within chr9:104,818,711-104,818,716 gives the same sequence; the position shown is the placement nearest the transcript's 3' end. VCF-style (leftmost placement, unchanged base first): chr9-104818710-G-GGGA. GRCh37 (hg19) VCF-style: chr9-107580991-G-GGGA.
Identifiers: ClinVar variation 2194297 (VCV002194297.4), dbSNP rs1356384067, ClinGen allele CA374318632.

ClinVar aggregate classification (germline): Uncertain significance (1 of 4 stars; one submission).

Submission:

Labcorp Genetics (formerly Invitae), Labcorp
Classification: Uncertain significance. Last evaluated: 2022-05-07. Review status: criteria provided, single submitter. Criteria: Invitae Variant Classification Sherloc (09022015). Collection method: clinical testing. Allele origin: germline.
Comment: In summary, the available evidence is currently insufficient to determine the role of this variant in disease. Therefore, it has been classified as a Variant of Uncertain Significance. This variant has not been reported in the literature in individuals affected with ABCA1-related conditions. This variant, c.3412_3414dup, results in the insertion of 1 amino acid(s) of the ABCA1 protein (p.Ser1138dup), but otherwise preserves the integrity of the reading frame. This variant is present in population databases (no rsID available, gnomAD 0.02%).